The following is an entry in ClinVar:

NM_030973.4(MED25):c.1915A>G (p.Asn639Asp)

Gene: MED25 (mediator complex subunit 25; plus strand). Cytogenetic location: 19q13.33.
Variant type: single nucleotide variant.
Coding change: c.1915A>G on transcript NM_030973.4 (MANE Select); coding-DNA position 1915, A replaced by G.
Protein change: p.Asn639Asp; replaces asparagine 639 with aspartic acid.
Molecular consequence: missense variant.
Genome position (GRCh38, 1-based): chr19:49,835,895, A>G. VCF-style: chr19-49835895-A-G. GRCh37 (hg19) VCF-style: chr19-50339152-A-G.
Other names: c.1915A>G, p.Asn639Asp (NM_001378355.1); short protein forms N639D.
Identifiers: ClinVar variation 1408432 (VCV001408432.6), dbSNP rs776959726, ClinGen allele CA309520767.

ClinVar aggregate classification (germline): Uncertain significance (1 of 4 stars; one submission).

Conditions:
Charcot-Marie-Tooth disease type 2. Also called: Charcot-Marie-Tooth type 2. Identifiers: Orphanet 64746, MedGen C0270914, MONDO:0018993.

Allele frequency attached by ClinVar (database versions not stated): gnomAD exomes 0.00001.
gnomAD v4.1: 10 of 1,612,646 alleles (0.00062%); highest among the groups gnomAD compares: Non-Finnish European, 0.00076%; no homozygotes.

Submission:

Labcorp Genetics (formerly Invitae), Labcorp
Classification: Uncertain significance for Charcot-Marie-Tooth disease type 2. Last evaluated: 2021-01-08. Review status: criteria provided, single submitter. Criteria: Invitae Variant Classification Sherloc (09022015). Collection method: clinical testing. Allele origin: germline.
Comment: Algorithms developed to predict the effect of missense changes on protein structure and function are either unavailable or do not agree on the potential impact of this missense change (SIFT: "Deleterious"; PolyPhen-2: "Possibly Damaging"; Align-GVGD: "Class C0"). This variant has not been reported in the literature in individuals with MED25-related conditions. This variant is not present in population databases (ExAC no frequency). This sequence change replaces asparagine with aspartic acid at codon 639 of the MED25 protein (p.Asn639Asp). The asparagine residue is highly conserved and there is a small physicochemical difference between asparagine and aspartic acid. In summary, the available evidence is currently insufficient to determine the role of this variant in disease. Therefore, it has been classified as a Variant of Uncertain Significance.